The following is an entry in ClinVar:

NM_001142800.2(EYS):c.7963G>T (p.Glu2655Ter)

Gene: EYS (EGF-like photoreceptor maintenance factor; minus strand). Cytogenetic location: 6q12.
Variant type: single nucleotide variant.
Coding change: c.7963G>T on transcript NM_001142800.2 (MANE Select); coding-DNA position 7963, G replaced by T.
Protein change: p.Glu2655Ter; replaces glutamic acid 2655 with a stop codon.
Molecular consequence: nonsense.
Genome position (GRCh38, 1-based): chr6:63,762,569, C>A on the plus strand (G>T on the coding strand, the complement: EYS is on the minus strand). VCF-style: chr6-63762569-C-A. GRCh37 (hg19) VCF-style: chr6-64472462-C-A.
Other names: c.7963G>T, p.Glu2655Ter (NM_001292009.2); short protein forms E2655*.
Identifiers: ClinVar variation 5011589 (VCV005011589.1).

ClinVar aggregate classification (germline): Pathogenic (1 of 4 stars; one submission).

Conditions:
Retinitis pigmentosa 25 (RP25). Identifiers: Orphanet 791, MedGen C1864446, MONDO:0011272, OMIM 602772.

Submission:

Myriad Genetics, Inc.
Classification: Pathogenic for Retinitis pigmentosa 25. Last evaluated: 2023-09-07. Review status: criteria provided, single submitter. Criteria: Myriad Autosomal Dominant, Autosomal Recessive and X-Linked Classification Criteria (2023). Collection method: clinical testing. Allele origin: unknown.
Comment: NM_001142800.1(EYS):c.7963G>T(E2655*) is expected to be pathogenic in the context of retinitis pigmentosa, EYS-related. This variant is predicted to lead to an abnormal or absent protein product due to the creation of a premature termination codon in EYS, a gene where loss-of-function variants are known to be pathogenic. Please note: this variant was assessed in the context of healthy population screening.